The following is an entry in ClinVar:

ClinVar aggregate classification (germline): Likely benign (1 of 4 stars; one submission).

Allele frequency attached by ClinVar (database versions not stated): gnomAD exomes 0.00005; TOPMed 0.00009; gnomAD 0.00013; ExAC 0.00023; 1000 Genomes Project 30x 0.00031; 1000 Genomes Project 0.00040.
gnomAD v4.1: 114 of 1,608,280 alleles (0.0071%); highest among the groups gnomAD compares: East Asian, 0.19%; no homozygotes.

Submission:

CeGaT Center for Human Genetics Tuebingen
Classification: Likely benign. Last evaluated: 2023-02-01. Review status: criteria provided, single submitter. Criteria: CeGaT Center For Human Genetics Tuebingen Variant Classification Criteria Version 2. Collection method: clinical testing. Allele origin: germline. Affected: yes. Observed: 1 variant allele.
Comment: TAF1C: BP4, BP7

NM_001243156.2(TAF1C):c.1938G>A (p.Glu646=)

Gene: TAF1C (TATA-box binding protein associated factor, RNA polymerase I subunit C; minus strand). Cytogenetic location: 16q24.1.
Variant type: single nucleotide variant.
Coding change: c.1938G>A on transcript NM_001243156.2 (MANE Select); coding-DNA position 1938, G replaced by A.
Protein change: p.Glu646=; no amino-acid change (glutamic acid 646 retained).
Molecular consequence: synonymous variant.
Genome position (GRCh38, 1-based): chr16:84,179,535, C>T on the plus strand (G>A on the coding strand, the complement: TAF1C is on the minus strand). VCF-style: chr16-84179535-C-T. GRCh37 (hg19) VCF-style: chr16-84213141-C-T.
Other names: c.1020G>A, p.Glu340= (NM_001243157.2, NM_001243158.2); c.789G>A, p.Glu263= (NM_001243159.2); c.585G>A, p.Glu195= (NM_001243160.2); c.2016G>A, p.Glu672= (NM_005679.4); c.1734G>A, p.Glu578= (NM_139353.3).
Identifiers: ClinVar variation 2646910 (VCV002646910.24), dbSNP rs200886592, ClinGen allele CA8203433.